The following is an entry in ClinVar:

ClinVar aggregate classification (germline): Likely benign. Review status: criteria provided, multiple submitters, no conflicts (2 of 4 stars). 3 submissions from 3 submitters: Likely benign (2). 1 of the submissions does not count toward it. Last evaluated 2025-04-01.

Conditions:
FLT4-related disorder. Also called: FLT4-related condition.

Allele frequency attached by ClinVar (database versions not stated): ExAC 0.00063; 1000 Genomes Project 0.00120; 1000 Genomes Project 30x 0.00156; gnomAD 0.00250; TOPMed 0.00266; ESP Exome Variant Server 0.00285.
gnomAD v4.1: 766 of 1,608,544 alleles (0.048%); highest among the groups gnomAD compares: African/African-American, 0.92%; 4 homozygotes.

Submissions (3):

CeGaT Center for Human Genetics Tuebingen
Classification: Likely benign. Last evaluated: 2025-04-01. Review status: criteria provided, single submitter. Criteria: CeGaT Center For Human Genetics Tuebingen Variant Classification Criteria Version 2. Collection method: clinical testing. Allele origin: germline. Affected: yes. Observed: 1 variant allele.
Comment: FLT4: BS1

Blueprint Genetics
Classification: Likely benign. Last evaluated: 2024-09-23. Review status: criteria provided, single submitter. Criteria: ACMG Guidelines, 2015. Collection method: clinical testing. Allele origin: germline.

PreventionGenetics, part of Exact Sciences
Classification: Benign for FLT4-related condition. Last evaluated: 2020-10-06. Review status: no assertion criteria provided. Collection method: clinical testing. Allele origin: germline. Not counted in ClinVar's aggregate classification.
Comment: This variant is classified as benign based on ACMG/AMP sequence variant interpretation guidelines (Richards et al. 2015 PMID: 25741868, with internal and published modifications).

NM_182925.5(FLT4):c.1911C>G (p.Ser637Arg)

Gene: FLT4 (fms related receptor tyrosine kinase 4; minus strand). Cytogenetic location: 5q35.3.
Variant type: single nucleotide variant.
Coding change: c.1911C>G on transcript NM_182925.5 (MANE Select); coding-DNA position 1911, C replaced by G.
Protein change: p.Ser637Arg; replaces serine 637 with arginine.
Molecular consequence: missense variant.
Genome position (GRCh38, 1-based): chr5:180,621,651, G>C on the plus strand (C>G on the coding strand, the complement: FLT4 is on the minus strand). VCF-style: chr5-180621651-G-C. GRCh37 (hg19) VCF-style: chr5-180048651-G-C.
Other names: c.1911C>G, p.Ser637Arg (NM_001354989.2, NM_002020.5); short protein forms S637R.
Identifiers: ClinVar variation 3052508 (VCV003052508.10), dbSNP rs148898412, ClinGen allele CA3606566.
Genomic context (GRCh38, chr5:180,621,651, plus strand): 5'-GTCTTGCACTTCGCACACATAGTGGCCCTCGTGCTCGGGCGCGACGCGGGGGATACTCAG[G>C]CTGAGCGTGGCGTGGCGCGCCCCAGGTGCCACCTCCTCCAGGCTGGCGGCCAGAGGGGTG-3'
Protein context (NP_891555.2, residues 627-647): VAPGARHATL[Ser637Arg]LSIPRVAPEH